The following is an entry in ClinVar:

NM_031924.8(RSPH3):c.-306C>G

Gene: RSPH3 (radial spoke head 3; minus strand). Cytogenetic location: 6q25.3.
Variant type: single nucleotide variant.
Coding change: c.-306C>G on transcript NM_031924.8 (MANE Select); 306 bases upstream of the start codon, C replaced by G.
Molecular consequence: 5 prime UTR variant. On other transcripts: missense variant (1), non-coding transcript variant (1).
Genome position (GRCh38, 1-based): chr6:158,999,856, G>C on the plus strand (C>G on the coding strand, the complement: RSPH3 is on the minus strand). VCF-style: chr6-158999856-G-C. GRCh37 (hg19) VCF-style: chr6-159420888-G-C.
Other names: c.121C>G, p.Leu41Val (NM_001346418.1); short protein forms L41V.
Identifiers: ClinVar variation 2101028 (VCV002101028.4), dbSNP rs1396012551, ClinGen allele CA366285789.

ClinVar aggregate classification (germline): Uncertain significance (1 of 4 stars; one submission).

Conditions:
Primary ciliary dyskinesia 32. Also called: CILIARY DYSKINESIA, PRIMARY, 32, WITHOUT SITUS INVERSUS. Identifiers: Orphanet 244, MedGen C4225311, MONDO:0014657, OMIM 616481.

Allele frequency attached by ClinVar (database versions not stated): gnomAD 0.00001; TOPMed 0.00001.
gnomAD v4.1: 2 of 1,613,796 alleles (0.00012%); highest among the groups gnomAD compares: Admixed American, 0.0017%; no homozygotes.

Submission:

Labcorp Genetics (formerly Invitae), Labcorp
Classification: Uncertain significance for Primary ciliary dyskinesia 32. Last evaluated: 2022-07-30. Review status: criteria provided, single submitter. Criteria: Invitae Variant Classification Sherloc (09022015). Collection method: clinical testing. Allele origin: germline.
Comment: In summary, the available evidence is currently insufficient to determine the role of this variant in disease. Therefore, it has been classified as a Variant of Uncertain Significance. Algorithms developed to predict the effect of missense changes on protein structure and function (SIFT, PolyPhen-2, Align-GVGD) all suggest that this variant is likely to be tolerated. This sequence change replaces leucine, which is neutral and non-polar, with valine, which is neutral and non-polar, at codon 41 of the RSPH3 protein (p.Leu41Val). This variant is not present in population databases (gnomAD no frequency). This variant has not been reported in the literature in individuals affected with RSPH3-related conditions.